The following is an entry in ClinVar:

NM_001080779.2(MYO1C):c.76-1475G>A

Genes: MYO1C (myosin IC; minus strand), LOC130059882 (ATAC-STARR-seq lymphoblastoid silent region 7955; plus strand). Cytogenetic location: 17p13.3.
Variant type: single nucleotide variant.
Coding change: c.76-1475G>A on transcript NM_001080779.2 (MANE Select); 1475 bases into the intron before coding-DNA position 76, G replaced by A.
Molecular consequence: intron variant.
Genome position (GRCh38, 1-based): chr17:1,485,778, C>T on the plus strand (G>A on the coding strand, the complement: MYO1C is on the minus strand). VCF-style: chr17-1485778-C-T. GRCh37 (hg19) VCF-style: chr17-1389072-C-T.
Other names: c.-30-1475G>A (NM_033375.5).
Identifiers: ClinVar variation 682791 (VCV000682791.2), dbSNP rs189114107, ClinGen allele CA286799764.

ClinVar aggregate classification (germline): Benign. Review status: criteria provided, multiple submitters, no conflicts (2 of 4 stars). 2 submissions from 2 submitters: Benign (2). Last evaluated 2018-06-16.

Allele frequency attached by ClinVar (database versions not stated): 1000 Genomes Project 0.02516; TOPMed 0.04545; gnomAD 0.04755 and 0.04889; gnomAD exomes 0.07084.
gnomAD v4.1: 65,978 of 982,676 alleles (6.7%); highest among the groups gnomAD compares: Non-Finnish European, 7.4%; 2,492 homozygotes.

Submissions (2):

GeneDx
Classification: Benign. Last evaluated: 2018-06-16. Review status: criteria provided, single submitter. Criteria: GeneDx Variant Classification (06012015). Collection method: clinical testing. Allele origin: germline. Affected: yes.
Comment: This variant is considered likely benign or benign based on one or more of the following criteria: it is a conservative change, it occurs at a poorly conserved position in the protein, it is predicted to be benign by multiple in silico algorithms, and/or has population frequency not consistent with disease.

Breakthrough Genomics
Classification: Benign. Review status: criteria provided, single submitter. Criteria: ACMG Guidelines, 2015. Collection method: not provided. Allele origin: germline. Inheritance: Unknown mechanism. Affected: yes.